The following is an entry in ClinVar:

ClinVar aggregate classification (germline): Uncertain significance. Review status: criteria provided, multiple submitters, no conflicts (2 of 4 stars). 3 submissions from 3 submitters: Uncertain significance (3). Last evaluated 2025-11-07.

Conditions:
Inborn genetic diseases. Identifiers: MedGen C0950123, MeSH D030342.
Retinitis pigmentosa 55 (RP55). Identifiers: Orphanet 791, MedGen C3150808, MONDO:0013312, OMIM 613575.
Bardet-Biedl syndrome 3 (BBS3). Identifiers: Orphanet 110, MedGen C1859564, MONDO:0010832, OMIM 600151.
Bardet-Biedl syndrome 1 (BBS1). Identifiers: MedGen C2936862, MONDO:0008854, OMIM 209900. Disease mechanism: loss of function.

Allele frequency attached by ClinVar (database versions not stated): gnomAD exomes 0.00003 and 0.00001; TOPMed below 0.00001; ExAC 0.00002; gnomAD 0.00001.
gnomAD v4.1: 44 of 1,613,198 alleles (0.0027%); highest among the groups gnomAD compares: Non-Finnish European, 0.0036%; no homozygotes.

Submissions (3):

Ambry Genetics
Classification: Uncertain significance for Inborn genetic diseases. Last evaluated: 2025-11-07. Review status: criteria provided, single submitter. Criteria: Ambry Variant Classification Scheme 2023. Collection method: clinical testing. Allele origin: germline.

Fulgent Genetics
Classification: Uncertain significance for Bardet-Biedl syndrome 1; Bardet-Biedl syndrome 3; Retinitis pigmentosa 55. Last evaluated: 2024-03-11. Review status: criteria provided, single submitter. Criteria: ACMG Guidelines, 2015. Collection method: clinical testing. Allele origin: germline.

Labcorp Genetics (formerly Invitae), Labcorp
Classification: Uncertain significance for Retinitis pigmentosa 55; Bardet-Biedl syndrome 3. Last evaluated: 2020-07-08. Review status: criteria provided, single submitter. Criteria: Invitae Variant Classification Sherloc (09022015). Collection method: clinical testing. Allele origin: germline.
Comment: This sequence change replaces tyrosine with histidine at codon 76 of the ARL6 protein (p.Tyr76His). The tyrosine residue is highly conserved and there is a moderate physicochemical difference between tyrosine and histidine. This variant is present in population databases (rs749599192, ExAC 0.006%). This variant has not been reported in the literature in individuals with ARL6-related conditions. Algorithms developed to predict the effect of missense changes on protein structure and function are either unavailable or do not agree on the potential impact of this missense change (SIFT: Deleterious; PolyPhen-2: Benign; Align-GVGD: Class C0). In summary, the available evidence is currently insufficient to determine the role of this variant in disease. Therefore, it has been classified as a Variant of Uncertain Significance.

NM_001278293.3(ARL6):c.226T>C (p.Tyr76His)

Gene: ARL6 (ARF like GTPase 6; plus strand). Cytogenetic location: 3q11.2.
Variant type: single nucleotide variant.
Coding change: c.226T>C on transcript NM_001278293.3 (MANE Select); coding-DNA position 226, T replaced by C.
Protein change: p.Tyr76His; replaces tyrosine 76 with histidine.
Molecular consequence: missense variant. On other transcripts: non-coding transcript variant (7).
Genome position (GRCh38, 1-based): chr3:97,780,655, T>C. VCF-style: chr3-97780655-T-C. GRCh37 (hg19) VCF-style: chr3-97499499-T-C.
Other names: c.226T>C, p.Tyr76His (NM_001323513.2, NM_001323514.2, NM_032146.5 and 1 more transcripts); c.226T>C (NM_177976.1); short protein forms Y76H.
Identifiers: ClinVar variation 1014365 (VCV001014365.3), dbSNP rs749599192, ClinGen allele CA2505896.